The following is an entry in ClinVar:

ClinVar aggregate classification (germline): Uncertain significance (1 of 4 stars; one submission).

Conditions:
Fanconi anemia complementation group J. Also called: BRIP1-Related Fanconi Anemia. Identifiers: Orphanet 84, MedGen C1836860, MONDO:0012187, OMIM 609054.
Familial cancer of breast. Also called: BREAST CANCER, FAMILIAL; Hereditary breast cancer; hereditary breast carcinoma. Identifiers: Orphanet 227535, MedGen C0346153, MONDO:0016419, OMIM 114480. Disease mechanism: loss of function.

gnomAD v4.1: 1 of 1,614,064 alleles (0.000062%); highest among the groups gnomAD compares: South Asian, 0.0011%; no homozygotes.

Submission:

Labcorp Genetics (formerly Invitae), Labcorp
Classification: Uncertain significance for Familial cancer of breast; Fanconi anemia complementation group J. Last evaluated: 2024-10-16. Review status: criteria provided, single submitter. Criteria: Invitae Variant Classification Sherloc (09022015). Collection method: clinical testing. Allele origin: germline.
Comment: This sequence change replaces leucine, which is neutral and non-polar, with valine, which is neutral and non-polar, at codon 54 of the BRIP1 protein (p.Leu54Val). This variant is not present in population databases (gnomAD no frequency). This variant has not been reported in the literature in individuals affected with BRIP1-related conditions. Invitae Evidence Modeling of protein sequence and biophysical properties (such as structural, functional, and spatial information, amino acid conservation, physicochemical variation, residue mobility, and thermodynamic stability) has been performed for this missense variant. However, the output from this modeling did not meet the statistical confidence thresholds required to predict the impact of this variant on BRIP1 protein function. In summary, the available evidence is currently insufficient to determine the role of this variant in disease. Therefore, it has been classified as a Variant of Uncertain Significance.

NM_032043.3(BRIP1):c.160T>G (p.Leu54Val)

Gene: BRIP1 (BRCA1 interacting DNA helicase 1; minus strand). Cytogenetic location: 17q23.2.
Variant type: single nucleotide variant.
Coding change: c.160T>G on transcript NM_032043.3 (MANE Select); coding-DNA position 160, T replaced by G.
Protein change: p.Leu54Val; replaces leucine 54 with valine.
Molecular consequence: missense variant.
Genome position (GRCh38, 1-based): chr17:61,859,841, A>C on the plus strand (T>G on the coding strand, the complement: BRIP1 is on the minus strand). VCF-style: chr17-61859841-A-C. GRCh37 (hg19) VCF-style: chr17-59937202-A-C.
Other names: short protein forms L54V.
Identifiers: ClinVar variation 3763522 (VCV003763522.2).